The following is an entry in ClinVar:

ClinVar aggregate classification (germline): Pathogenic (1 of 4 stars; one submission).

Conditions:
Hereditary breast ovarian cancer syndrome. Also called: Hereditary breast and ovarian cancer; Hereditary breast and ovarian cancer syndrome (HBOC); Breast and ovarian cancer; Hereditary breast and/or ovarian cancer syndrome; Hereditary breast and ovarian cancer syndrome; BRCA1- and BRCA2-Associated Hereditary Breast and Ovarian Cancer. Identifiers: Orphanet 145, MedGen C0677776, MeSH D061325, MONDO:0003582. Disease mechanism: loss of function.

Submission:

Labcorp Genetics (formerly Invitae), Labcorp
Classification: Pathogenic for Hereditary breast ovarian cancer syndrome. Last evaluated: 2025-10-07. Review status: criteria provided, single submitter. Criteria: Invitae Variant Classification Sherloc (09022015). Collection method: clinical testing. Allele origin: germline.
Comment: This sequence change creates a premature translational stop signal (p.Arg446Serfs*9) in the BRCA1 gene. It is expected to result in an absent or disrupted protein product. Loss-of-function variants in BRCA1 are known to be pathogenic (PMID: 20104584). This variant is not present in population databases (gnomAD no frequency). This premature translational stop signal has been observed in individual(s) with breast cancer (PMID: 32029870). For these reasons, this variant has been classified as Pathogenic.

Literature cited by the submitters: PubMed 20104584; PubMed 32029870.

NM_007294.4(BRCA1):c.1338_1339del (p.Arg446fs)

Gene: BRCA1 (BRCA1 DNA repair associated; minus strand). Cytogenetic location: 17q21.31.
Variant type: Microsatellite.
Coding change: c.1338_1339del on transcript NM_007294.4 (MANE Select); coding-DNA positions 1338 to 1339, 2 bases deleted (AG; older notation c.1338_1339delAG).
Protein change: p.Arg446fs; shifts the reading frame from arginine 446.
Molecular consequence: frameshift variant. On other transcripts: intron variant (137).
Genome position (GRCh38, 1-based): chr17:43,094,192-43,094,193, CT deleted on the plus strand (AG on the coding strand, the reverse complement: BRCA1 is on the minus strand); deleting any 2 consecutive bases within chr17:43,094,192-43,094,195 gives the same sequence; the c. name uses the placement nearest the transcript's 3' end. VCF-style (leftmost placement, unchanged base first): chr17-43094191-ACT-A. GRCh37 (hg19) VCF-style: chr17-41246208-ACT-A.
Other names: c.1125_1126del, p.Arg375fs (NM_001407571.1, NM_001407853.1, NM_001407894.1 and 9 more transcripts); c.1338_1339del, p.Arg446fs (NM_001407581.1, NM_001407582.1, NM_001407583.1 and 30 more transcripts); c.1335_1336del, p.Arg445fs (NM_001407587.1, NM_001407590.1, NM_001407591.1 and 22 more transcripts); c.1329_1330del, p.Arg443fs (NM_001407646.1, NM_001407647.1); c.1215_1216del, p.Arg405fs (NM_001407648.1, NM_001407664.1, NM_001407665.1 and 19 more transcripts); c.1212_1213del, p.Arg404fs (NM_001407649.1, NM_001407670.1, NM_001407671.1 and 11 more transcripts); c.1260_1261del, p.Arg420fs (NM_001407653.1, NM_001407654.1, NM_001407655.1 and 4 more transcripts); c.1257_1258del, p.Arg419fs (NM_001407659.1, NM_001407660.1, NM_001407661.1 and 1 more transcripts); and 40 more; short protein forms R399fs, R446fs, R319fs, R375fs, R419fs, R150fs, R278fs, R376fs.
Identifiers: ClinVar variation 2982382 (VCV002982382.3), dbSNP rs2552215665, ClinGen allele CA2695226282.